The following is an entry in ClinVar:

NM_001184880.2(PCDH19):c.2965A>C (p.Asn989His)

Gene: PCDH19 (protocadherin 19; minus strand). Cytogenetic location: Xq22.1.
Variant type: single nucleotide variant.
Coding change: c.2965A>C on transcript NM_001184880.2 (MANE Select); coding-DNA position 2965, A replaced by C.
Protein change: p.Asn989His; replaces asparagine 989 with histidine.
Molecular consequence: missense variant.
Genome position (GRCh38, 1-based): chrX:100,296,759, T>G on the plus strand (A>C on the coding strand, the complement: PCDH19 is on the minus strand). VCF-style: chrX-100296759-T-G. GRCh37 (hg19) VCF-style: chrX-99551757-T-G.
Other names: c.2824A>C, p.Asn942His (NM_001105243.2); c.2821A>C, p.Asn941His (NM_020766.3); short protein forms N989H, N941H, N942H.
Identifiers: ClinVar variation 514057 (VCV000514057.15), dbSNP rs201611496, ClinGen allele CA10468689.

ClinVar aggregate classification (germline): Conflicting classifications of pathogenicity. Review status: criteria provided, conflicting classifications (1 of 4 stars). 4 submissions from 4 submitters: Uncertain significance (1); Likely benign (3). Last evaluated 2025-11-18.

Conditions:
Inborn genetic diseases. Identifiers: MedGen C0950123, MeSH D030342.
Developmental and epileptic encephalopathy, 9 (DEE9). Also called: Early infantile epileptic encephalopathy 9; PCDH19-Related X-Linked Female-Limited Epilepsy with Mental Retardation; EPILEPSY, FEMALE-RESTRICTED, WITH MENTAL RETARDATION; JUBERG-HELLMAN SYNDROME. Identifiers: Orphanet 101039, Orphanet 2076, MedGen C1848137, MONDO:0010246, OMIM 300088. Disease mechanism: loss of function.

Allele frequency attached by ClinVar (database versions not stated): gnomAD exomes 0.00007 and 0.00014; TOPMed 0.00008; ExAC 0.00010; ESP Exome Variant Server 0.00010; gnomAD 0.00011 and 0.00012.
gnomAD v4.1: 170 of 1,209,314 alleles (0.014%); highest among the groups gnomAD compares: Non-Finnish European, 0.018%; 1 homozygote.

Submissions (4):

Labcorp Genetics (formerly Invitae), Labcorp
Classification: Likely benign for Developmental and epileptic encephalopathy, 9. Last evaluated: 2025-11-18. Review status: criteria provided, single submitter. Criteria: Invitae Variant Classification Sherloc (09022015). Collection method: clinical testing. Allele origin: germline.

Ambry Genetics
Classification: Likely benign for Inborn genetic diseases. Last evaluated: 2022-12-21. Review status: criteria provided, single submitter. Criteria: Ambry Variant Classification Scheme 2023. Collection method: clinical testing. Allele origin: germline.

Eurofins Ntd Llc (ga)
Classification: Uncertain significance. Last evaluated: 2018-04-17. Review status: criteria provided, single submitter. Criteria: EGL ClinVar v180209 classification definitions. Collection method: clinical testing. Allele origin: germline. Observed: 1 variant allele, 1 hemizygote.

GeneDx
Classification: Likely benign. Last evaluated: 2017-12-04. Review status: criteria provided, single submitter. Criteria: GeneDx Variant Classification (06012015). Collection method: clinical testing. Allele origin: germline. Affected: yes.
Comment: This variant is considered likely benign or benign based on one or more of the following criteria: it is a conservative change, it occurs at a poorly conserved position in the protein, it is predicted to be benign by multiple in silico algorithms, and/or has population frequency not consistent with disease.